The following is an entry in ClinVar:

NM_000260.4(MYO7A):c.3656dup (p.Pro1221fs)

Gene: MYO7A (myosin VIIA; plus strand). Cytogenetic location: 11q13.5.
Variant type: Duplication.
Coding change: c.3656dup on transcript NM_000260.4 (MANE Select); coding-DNA position 3656, one base duplicated (G; older notation c.3656dupG).
Protein change: p.Pro1221fs; shifts the reading frame from proline 1221.
Molecular consequence: frameshift variant.
Genome position (GRCh38, 1-based): chr11:77,190,045, G duplicated; the last of 5 consecutive G bases (chr11:77,190,041-77,190,045); duplicating any one gives the same sequence. VCF-style (leftmost placement, unchanged base first): chr11-77190040-C-CG. GRCh37 (hg19) VCF-style: chr11-76901085-C-CG.
Other names: c.3656dup, p.Pro1221fs (NM_001127180.2); c.3623dup, p.Pro1210fs (NM_001369365.1); short protein forms P1210fs, P1221fs.
Identifiers: ClinVar variation 3601474 (VCV003601474.1).
Genomic context (GRCh38, chr11:77,190,040, plus strand): 5'-GGAGCCCCAGGGGCCGCCTCAGCGGGTACTCTGGCTGCAGTACCTGCGGAACTTCATCCA[C>CG]GGGGGCCCGCCCGGCTACGCCCCGTACTGTGAGGAGCGCCTGAGAAGGACCTTTGTCAAT-3'

ClinVar aggregate classification (germline): Pathogenic (1 of 4 stars; one submission).

Conditions:
Autosomal recessive nonsyndromic hearing loss 2. Also called: NEUROSENSORY NONSYNDROMIC RECESSIVE DEAFNESS 2; DEAFNESS, AUTOSOMAL RECESSIVE 2. Identifiers: Orphanet 90636, MedGen C1838701, MONDO:0010807, OMIM 600060.

Submission:

Institute of Rare Diseases, West China Hospital, Sichuan University
Classification: Pathogenic for Autosomal recessive nonsyndromic hearing loss 2. Last evaluated: 2025-01-09. Review status: criteria provided, single submitter. Criteria: ClinGen HL ACMG Specifications v1. Collection method: research. Allele origin: germline. Affected: yes.
Comment: PVS1;PM3_Supporting;PM2_Supporting